The following is an entry in ClinVar:

ClinVar aggregate classification (germline): not provided (0 of 4 stars; one submission).

Submission:

ITMI
No classification provided. Condition: AllHighlyPenetrant. Last evaluated: 2013-09-19. Review status: no classification provided. Collection method: reference population. Allele origin: germline.
Comment: Please see associated publication for description of ethnicities

Literature cited by the submitters: PubMed 24728327.

NM_001405607.1(PBRM1):c.409G>T (p.Ala137Ser)

Gene: PBRM1 (polybromo 1; minus strand). Cytogenetic location: 3p21.1.
Variant type: single nucleotide variant.
Coding change: c.409G>T on transcript NM_001405607.1 (MANE Select); coding-DNA position 409, G replaced by T.
Protein change: p.Ala137Ser; replaces alanine 137 with serine.
Molecular consequence: missense variant. On other transcripts: non-coding transcript variant (2), intron variant (1), 5 prime UTR variant (4).
Genome position (GRCh38, 1-based): chr3:52,662,252, C>A on the plus strand (G>T on the coding strand, the complement: PBRM1 is on the minus strand). VCF-style: chr3-52662252-C-A. GRCh37 (hg19) VCF-style: chr3-52696268-C-A.
Other names: c.409G>T, p.Ala137Ser (NM_001405617.1, NM_001405638.1, NM_001405639.1 and 104 more transcripts); c.427G>T, p.Ala143Ser (NM_001405637.1); c.385-3937G>T (NM_001405587.1); c.472G>T, p.Ala158Ser (NM_001405619.1, NM_001405621.1, NM_001405622.1 and 12 more transcripts); c.-1082G>T (NM_001405625.1); c.463G>T, p.Ala155Ser (NM_001350077.2, NM_001366073.2, NM_001366076.2 and 4 more transcripts); c.460G>T, p.Ala154Ser (NM_001366074.2); c.-1574G>T (NM_001405566.1, NM_001405596.1); and 1 more; short protein forms A137S, A154S, A158S, A155S, A143S.
Identifiers: ClinVar variation 135010 (VCV000135010.1), dbSNP rs587778592, ClinGen allele CA161386.